The following is an entry in ClinVar:

NM_000548.5(TSC2):c.3931C>G (p.Leu1311Val)

Gene: TSC2 (TSC complex subunit 2; plus strand). Cytogenetic location: 16p13.3.
Variant type: single nucleotide variant.
Coding change: c.3931C>G on transcript NM_000548.5 (MANE Select); coding-DNA position 3931, C replaced by G.
Protein change: p.Leu1311Val; replaces leucine 1311 with valine.
Molecular consequence: missense variant.
Genome position (GRCh38, 1-based): chr16:2,083,742, C>G. VCF-style: chr16-2083742-C-G. GRCh37 (hg19) VCF-style: chr16-2133743-C-G.
Other names: c.3730C>G, p.Leu1244Val (NM_001077183.3); c.3862C>G, p.Leu1288Val (NM_001114382.3); c.3622C>G, p.Leu1208Val (NM_001318827.2); c.3586C>G, p.Leu1196Val (NM_001318829.2); c.3199C>G, p.Leu1067Val (NM_001318831.2); c.3763C>G, p.Leu1255Val (NM_001318832.2); c.3733C>G, p.Leu1245Val (NM_001363528.2); c.3715C>G, p.Leu1239Val (NM_001406675.1); and 26 more; short protein forms L1088V, L1225V, L1239V, L1244V, L1268V, L1287V, L796V, L797V.
Identifiers: ClinVar variation 1960606 (VCV001960606.6), dbSNP rs2151511633, ClinGen allele CA394297252.

ClinVar aggregate classification (germline): Uncertain significance. Review status: criteria provided, multiple submitters, no conflicts (2 of 4 stars). 2 submissions from 2 submitters: Uncertain significance (2). Last evaluated 2026-08-16.

Conditions:
Tuberous sclerosis 2 (TSC2). Identifiers: Orphanet 805, MedGen C1860707, MONDO:0013199, OMIM 613254.
Hereditary cancer-predisposing syndrome. Also called: Hereditary neoplastic syndrome; Neoplastic Syndromes, Hereditary; Tumor predisposition; Hereditary Cancer Syndrome. Identifiers: Orphanet 140162, MedGen C0027672, MeSH D009386, MONDO:0015356.

Submissions (2):

Ambry Genetics
Classification: Uncertain significance for Hereditary cancer-predisposing syndrome. Last evaluated: 2026-08-16. Review status: criteria provided, single submitter. Criteria: Ambry Variant Classification Scheme 2023. Collection method: clinical testing. Allele origin: germline.
Comment: The p.L1311V variant (also known as c.3931C>G), located in coding exon 32 of the TSC2 gene, results from a C to G substitution at nucleotide position 3931. The leucine at codon 1311 is replaced by valine, an amino acid with highly similar properties. This amino acid position is conserved. In addition, this alteration is predicted to be tolerated by in silico analysis. Based on the available evidence, the clinical significance of this variant remains unclear.

Labcorp Genetics (formerly Invitae), Labcorp
Classification: Uncertain significance for Tuberous sclerosis 2. Last evaluated: 2021-12-24. Review status: criteria provided, single submitter. Criteria: Invitae Variant Classification Sherloc (09022015). Collection method: clinical testing. Allele origin: germline.
Comment: This sequence change replaces leucine, which is neutral and non-polar, with valine, which is neutral and non-polar, at codon 1311 of the TSC2 protein (p.Leu1311Val). This variant is not present in population databases (gnomAD no frequency). This variant has not been reported in the literature in individuals affected with TSC2-related conditions. Advanced modeling of protein sequence and biophysical properties (such as structural, functional, and spatial information, amino acid conservation, physicochemical variation, residue mobility, and thermodynamic stability) performed at Invitae indicates that this missense variant is not expected to disrupt TSC2 protein function. In summary, the available evidence is currently insufficient to determine the role of this variant in disease. Therefore, it has been classified as a Variant of Uncertain Significance.